The following is an entry in ClinVar:

NM_017763.6(RNF43):c.721A>G (p.Ser241Gly)

Gene: RNF43 (ring finger protein 43; minus strand). Cytogenetic location: 17q22.
Variant type: single nucleotide variant.
Coding change: c.721A>G on transcript NM_017763.6 (MANE Select); coding-DNA position 721, A replaced by G.
Protein change: p.Ser241Gly; replaces serine 241 with glycine.
Molecular consequence: missense variant.
Genome position (GRCh38, 1-based): chr17:58,360,911, T>C on the plus strand (A>G on the coding strand, the complement: RNF43 is on the minus strand). VCF-style: chr17-58360911-T-C. GRCh37 (hg19) VCF-style: chr17-56438272-T-C.
Other names: c.721A>G, p.Ser241Gly (NM_001305544.3); c.340A>G, p.Ser114Gly (NM_001305545.2); c.721A>G (NM_017763.4); short protein forms S114G, S241G.
Identifiers: ClinVar variation 2678404 (VCV002678404.2), dbSNP rs1360338002, ClinGen allele CA400334186.
Genomic context (GRCh38, chr17:58,360,911, plus strand): 5'-CTGGCCACTCACCCCGGGCCTGCCTGCAGCTGGCCTGGTACCTCCTGGTGGCCAGCTGGC[T>C]GATGGCCCAGGCTGTTCTCTGCTGAAGCGGATCCTGGGAAGAGGAATGGGGCTCAGATTG-3'
Protein context (NP_060233.3, residues 231-251): PLQQRTAWAI[Ser241Gly]QLATRRYQAS

ClinVar aggregate classification (germline): Uncertain significance. Review status: criteria provided, multiple submitters, no conflicts (2 of 4 stars). 2 submissions from 2 submitters: Uncertain significance (2). Last evaluated 2024-11-23.

Conditions:
Sessile serrated polyposis cancer syndrome (SSPCS). Identifiers: Orphanet 157798, MedGen C4310714, MONDO:0014919, OMIM 617108.

Allele frequency attached by ClinVar (database versions not stated): TOPMed below 0.00001.

Submissions (2):

Ambry Genetics
Classification: Uncertain significance. Last evaluated: 2024-11-23. Review status: criteria provided, single submitter. Criteria: Ambry Variant Classification Scheme 2023. Collection method: clinical testing. Allele origin: germline.
Comment: The p.S241G variant (also known as c.721A>G), located in coding exon 6 of the RNF43 gene, results from an A to G substitution at nucleotide position 721. The serine at codon 241 is replaced by glycine, an amino acid with similar properties. This amino acid position is conserved. In addition, this alteration is predicted to be tolerated by in silico analysis. Based on the available evidence, the clinical significance of this variant remains unclear.

Baylor Genetics
Classification: Uncertain significance for Sessile serrated polyposis cancer syndrome. Last evaluated: 2023-09-08. Review status: criteria provided, single submitter. Criteria: ACMG Guidelines, 2015. Collection method: clinical testing. Allele origin: unknown.